The following is an entry in ClinVar:

NM_002637.4(PHKA1):c.2135A>G (p.Gln712Arg)

Gene: PHKA1 (phosphorylase kinase regulatory subunit alpha 1; minus strand). Cytogenetic location: Xq13.1.
Variant type: single nucleotide variant.
Coding change: c.2135A>G on transcript NM_002637.4 (MANE Select); coding-DNA position 2135, A replaced by G.
Protein change: p.Gln712Arg; replaces glutamine 712 with arginine.
Molecular consequence: missense variant. On other transcripts: intron variant (1).
Genome position (GRCh38, 1-based): chrX:72,620,727, T>C on the plus strand (A>G on the coding strand, the complement: PHKA1 is on the minus strand). VCF-style: chrX-72620727-T-C. GRCh37 (hg19) VCF-style: chrX-71840577-T-C.
Other names: c.2135A>G, p.Gln712Arg (NM_001122670.2, NM_001431068.1); c.1961-1422A>G (NM_001172436.2); short protein forms Q712R.
Identifiers: ClinVar variation 3700132 (VCV003700132.3).

ClinVar aggregate classification (germline): Uncertain significance (1 of 4 stars; one submission).

Conditions:
Glycogen storage disease IXd (GSD9D). Also called: GSD IXd; Muscle Phosphorylase Kinase Deficiency. Identifiers: Orphanet 715, MedGen C1845151, MONDO:0010362, OMIM 300559.

gnomAD v4.1: 1 of 1,203,945 alleles (0.000083%); highest among the groups gnomAD compares: African/African-American, 0.0018%; no homozygotes.

Submissions (2):

Labcorp Genetics (formerly Invitae), Labcorp
Classification: Uncertain significance for Glycogen storage disease IXd. Last evaluated: 2024-10-12. Review status: criteria provided, single submitter. Criteria: Invitae Variant Classification Sherloc (09022015). Collection method: clinical testing. Allele origin: germline.
Comment: This sequence change replaces glutamine, which is neutral and polar, with arginine, which is basic and polar, at codon 712 of the PHKA1 protein (p.Gln712Arg). This variant is not present in population databases (gnomAD no frequency). This variant has not been reported in the literature in individuals affected with PHKA1-related conditions. An algorithm developed to predict the effect of missense changes on protein structure and function (PolyPhen-2) suggests that this variant is likely to be tolerated. Algorithms developed to predict the effect of sequence changes on RNA splicing suggest that this variant may create or strengthen a splice site. In summary, the available evidence is currently insufficient to determine the role of this variant in disease. Therefore, it has been classified as a Variant of Uncertain Significance.

Dr. Peter K. Rogan Lab, Western University
No classification provided (evidence only). Condition: Nonpapillary renal cell carcinoma. Review status: no classification provided. Collection method: in vitro. Allele origin: not applicable. Functional consequence: skipped exon. Not counted in ClinVar's aggregate classification.